The following is an entry in ClinVar:

NM_004415.4(DSP):c.1708del (p.Thr570fs)

Gene: DSP (desmoplakin; plus strand). Cytogenetic location: 6p24.3.
Variant type: Deletion.
Coding change: c.1708del on transcript NM_004415.4 (MANE Select); coding-DNA position 1708, one base deleted (A; older notation c.1708delA).
Protein change: p.Thr570fs; shifts the reading frame from threonine 570.
Molecular consequence: frameshift variant.
Genome position (GRCh38, 1-based): chr6:7,571,389, A deleted; the last of 4 consecutive A bases (chr6:7,571,386-7,571,389); deleting any one gives the same sequence. VCF-style (leftmost placement, unchanged base first): chr6-7571385-GA-G. GRCh37 (hg19) VCF-style: chr6-7571618-GA-G.
Other names: c.1708del, p.Thr570fs (NM_001008844.3, NM_001319034.2); short protein forms T570fs.
Identifiers: ClinVar variation 2192158 (VCV002192158.4), dbSNP rs2533893375, ClinGen allele CA2580075394.

ClinVar aggregate classification (germline): Pathogenic (1 of 4 stars; one submission).

Conditions:
Arrhythmogenic cardiomyopathy with wooly hair and keratoderma. Also called: Dilated cardiomyopathy with woolly hair and keratoderma; Carvajal syndrome; PALMOPLANTAR KERATODERMA WITH LEFT VENTRICULAR CARDIOMYOPATHY AND WOOLLY HAIR; Arrhythmogenic cardiomyopathy with woolly hair and keratoderma. Identifiers: Orphanet 65282, MedGen C1854063, MONDO:0011581, OMIM 605676.
Arrhythmogenic right ventricular dysplasia 8 (ARVD8). Also called: Arrhythmogenic Right Ventricular Dysplasia/Cardiomyopathy 8; ARRHYTHMOGENIC RIGHT VENTRICULAR DYSPLASIA, FAMILIAL, 8; ARRHYTHMOGENIC RIGHT VENTRICULAR CARDIOMYOPATHY 8. Identifiers: MedGen C1843896, MONDO:0011831, OMIM 607450.

Submission:

Labcorp Genetics (formerly Invitae), Labcorp
Classification: Pathogenic for Arrhythmogenic cardiomyopathy with wooly hair and keratoderma; Arrhythmogenic right ventricular dysplasia 8. Last evaluated: 2022-06-03. Review status: criteria provided, single submitter. Criteria: Invitae Variant Classification Sherloc (09022015). Collection method: clinical testing. Allele origin: germline.
Comment: For these reasons, this variant has been classified as Pathogenic. This variant has not been reported in the literature in individuals affected with DSP-related conditions. This variant is not present in population databases (gnomAD no frequency). This sequence change creates a premature translational stop signal (p.Thr570Glnfs*8) in the DSP gene. It is expected to result in an absent or disrupted protein product. Loss-of-function variants in DSP are known to be pathogenic (PMID: 20716751, 24503780, 25227139).

Literature cited by the submitters: PubMed 20716751; PubMed 24503780; PubMed 25227139.